The following is an entry in ClinVar:

NM_003743.5(NCOA1):c.1162C>A (p.Pro388Thr)

Gene: NCOA1 (nuclear receptor coactivator 1; plus strand). Cytogenetic location: 2p23.3.
Variant type: single nucleotide variant.
Coding change: c.1162C>A on transcript NM_003743.5 (MANE Select); coding-DNA position 1162, C replaced by A.
Protein change: p.Pro388Thr; replaces proline 388 with threonine.
Molecular consequence: missense variant.
Genome position (GRCh38, 1-based): chr2:24,706,632, C>A. VCF-style: chr2-24706632-C-A. GRCh37 (hg19) VCF-style: chr2-24929501-C-A.
Other names: c.1162C>A, p.Pro388Thr (NM_001362950.1, NM_001362952.1, NM_001362954.1 and 3 more transcripts); short protein forms P388T.
Identifiers: ClinVar variation 4979204 (VCV004979204.1).

ClinVar aggregate classification (germline): Uncertain significance (1 of 4 stars; one submission).

Conditions:
NCOA1-related disorder. Also called: NCOA1-related condition.

gnomAD v4.1: 15 of 1,614,008 alleles (0.00093%); highest among the groups gnomAD compares: African/African-American, 0.0027%; no homozygotes.

Submission:

PreventionGenetics, part of Exact Sciences
Classification: Uncertain significance for NCOA1-related condition. Last evaluated: 2026-04-23. Review status: criteria provided, single submitter. Criteria: ACMG Guidelines, 2015. Collection method: clinical testing. Allele origin: germline.
Comment: The NCOA1 c.1162C>A variant is predicted to result in the amino acid substitution p.Pro388Thr. To our knowledge, this variant has not been reported in the literature. This variant is reported in 0.0018% of alleles in individuals of European (Non-Finnish) descent in gnomAD. At this time, the clinical significance of this variant is uncertain due to the absence of conclusive functional and genetic evidence.